The following is an entry in ClinVar:

ClinVar aggregate classification (germline): Pathogenic (1 of 4 stars; one submission).

Conditions:
CEP290-related ciliopathy. Also called: CEP290 ciliopathy. Identifiers: MedGen CN305601, MONDO:0100451.

Submission:

Myriad Genetics, Inc.
Classification: Pathogenic for CEP290-related ciliopathy. Last evaluated: 2025-07-14. Review status: criteria provided, single submitter. Criteria: Myriad Autosomal Dominant, Autosomal Recessive and X-Linked Classification Criteria (2023). Collection method: clinical testing. Allele origin: unknown.
Comment: NM_025114.3(CEP290):c.1043delG(S348Ifs*24) is expected to be pathogenic in the context of CEP290-related disorders. This variant is predicted to lead to an abnormal or absent protein product due to the creation of a premature termination codon in CEP290, a gene where loss-of-function variants are known to be pathogenic. Please note: this variant was assessed in the context of healthy population screening.

NM_025114.4(CEP290):c.1043del (p.Ser348fs)

Gene: CEP290 (centrosomal protein 290; minus strand). Cytogenetic location: 12q21.32.
Variant type: Deletion.
Coding change: c.1043del on transcript NM_025114.4 (MANE Select); coding-DNA position 1043, one base deleted (G; older notation c.1043delG).
Protein change: p.Ser348fs; shifts the reading frame from serine 348.
Molecular consequence: frameshift variant.
Genome position (GRCh38, 1-based): chr12:88,126,338, C deleted on the plus strand (G on the coding strand, the reverse complement: CEP290 is on the minus strand). VCF-style (leftmost placement, unchanged base first): chr12-88126337-AC-A. GRCh37 (hg19) VCF-style: chr12-88520114-AC-A.
Other names: short protein forms S348fs.
Identifiers: ClinVar variation 5014724 (VCV005014724.1).
Genomic context (GRCh38, chr12:88,126,337, plus strand): 5'-TAAAACTGGTTGATAAACAAAATTCTGTTAAGATTTTACCTGCTGTAGAGCCATAACATT[AC>A]TTTTATCAGCATCAAGCTGAGCATTCTTAAGTTTCTCCCTTAGGTTATGTAACATTTGCT-3'